The following is an entry in ClinVar:

ClinVar aggregate classification (germline): Uncertain significance (1 of 4 stars; one submission).

Conditions:
Bethlem myopathy 1A. Also called: MYOPATHY, BENIGN CONGENITAL, WITH CONTRACTURES; Bethlem myopathy 1; Bethlem Muscular Dystrophy. Identifiers: Orphanet 610, MedGen CN029274, MONDO:0024530, OMIM 158810.

Allele frequency attached by ClinVar (database versions not stated): gnomAD exomes below 0.00001.
gnomAD v4.1: 1 of 1,613,126 alleles (0.000062%); no homozygotes.

Submission:

Labcorp Genetics (formerly Invitae), Labcorp
Classification: Uncertain significance for Bethlem myopathy 1A. Last evaluated: 2023-06-10. Review status: criteria provided, single submitter. Criteria: Invitae Variant Classification Sherloc (09022015). Collection method: clinical testing. Allele origin: germline.
Comment: Advanced modeling of protein sequence and biophysical properties (such as structural, functional, and spatial information, amino acid conservation, physicochemical variation, residue mobility, and thermodynamic stability) performed at Invitae indicates that this missense variant is expected to disrupt COL6A2 protein function. In summary, the available evidence is currently insufficient to determine the role of this variant in disease. Therefore, it has been classified as a Variant of Uncertain Significance. This missense change has been observed in individual(s) with autosomal dominant late onset myopathy (PMID: 30963254). It has also been observed to segregate with disease in related individuals. This variant is not present in population databases (gnomAD no frequency). This sequence change replaces threonine, which is neutral and polar, with proline, which is neutral and non-polar, at codon 703 of the COL6A2 protein (p.Thr703Pro).

Literature cited by the submitters: PubMed 30963254.

NM_001849.4(COL6A2):c.2107A>C (p.Thr703Pro)

Gene: COL6A2 (collagen type VI alpha 2 chain; plus strand). Cytogenetic location: 21q22.3.
Variant type: single nucleotide variant.
Coding change: c.2107A>C on transcript NM_001849.4 (MANE Select); coding-DNA position 2107, A replaced by C.
Protein change: p.Thr703Pro; replaces threonine 703 with proline.
Molecular consequence: missense variant.
Genome position (GRCh38, 1-based): chr21:46,125,922, A>C. VCF-style: chr21-46125922-A-C. GRCh37 (hg19) VCF-style: chr21-47545836-A-C.
Other names: c.2107A>C, p.Thr703Pro (NM_058174.3, NM_058175.3); short protein forms T703P.
Identifiers: ClinVar variation 2907555 (VCV002907555.3), dbSNP rs2517017775, ClinGen allele CA410541578.